The following is an entry in ClinVar:

ClinVar aggregate classification (germline): Uncertain significance (1 of 4 stars; one submission).

Conditions:
Hereditary cancer-predisposing syndrome. Also called: Hereditary neoplastic syndrome; Neoplastic Syndromes, Hereditary; Tumor predisposition; Hereditary Cancer Syndrome. Identifiers: Orphanet 140162, MedGen C0027672, MeSH D009386, MONDO:0015356.

Submission:

Ambry Genetics
Classification: Uncertain significance for Hereditary cancer-predisposing syndrome. Last evaluated: 2021-03-23. Review status: criteria provided, single submitter. Criteria: Ambry Variant Classification Scheme 2023. Collection method: clinical testing. Allele origin: germline.
Comment: The p.A2631P variant (also known as c.7891G>C), located in coding exon 52 of the ATM gene, results from a G to C substitution at nucleotide position 7891. The alanine at codon 2631 is replaced by proline, an amino acid with highly similar properties. This amino acid position is highly conserved in available vertebrate species. In addition, this alteration is predicted to be deleterious by in silico analysis. Since supporting evidence is limited at this time, the clinical significance of this alteration remains unclear.

NM_000051.4(ATM):c.7891G>C (p.Ala2631Pro)

Genes: ATM (ATM serine/threonine kinase; plus strand), C11orf65 (chromosome 11 open reading frame 65; minus strand). Cytogenetic location: 11q22.3.
Variant type: single nucleotide variant.
Coding change: c.7891G>C on transcript NM_000051.4 (MANE Select); coding-DNA position 7891, G replaced by C.
Protein change: p.Ala2631Pro; replaces alanine 2631 with proline.
Molecular consequence: missense variant. On other transcripts: intron variant (2).
Genome position (GRCh38, 1-based): chr11:108,332,864, G>C. VCF-style: chr11-108332864-G-C. GRCh37 (hg19) VCF-style: chr11-108203591-G-C.
Other names: c.7891G>C, p.Ala2631Pro (NM_001351834.2); c.641-23793C>G (NM_001330368.2); c.*38+2356C>G (NM_001351110.2); short protein forms A2631P.
Identifiers: ClinVar variation 1761051 (VCV001761051.2), dbSNP rs2136570375, ClinGen allele CA382561455.